The following is an entry in ClinVar:

ClinVar aggregate classification (germline): Likely benign (1 of 4 stars; one submission).

Submission:

CeGaT Center for Human Genetics Tuebingen
Classification: Likely benign. Last evaluated: 2026-08-01. Review status: criteria provided, single submitter. Criteria: CeGaT Center For Human Genetics Tuebingen Variant Classification Criteria Version 2. Collection method: clinical testing. Allele origin: germline. Affected: yes. Observed: 2 variant alleles.
Comment: CELA3B: BP4

NM_007352.4(CELA3B):c.799A>G (p.Ile267Val)

Gene: CELA3B (chymotrypsin like elastase 3B; plus strand). Cytogenetic location: 1p36.12.
Variant type: single nucleotide variant.
Coding change: c.799A>G on transcript NM_007352.4 (MANE Select); coding-DNA position 799, A replaced by G.
Protein change: p.Ile267Val; replaces isoleucine 267 with valine.
Molecular consequence: missense variant.
Genome position (GRCh38, 1-based): chr1:21,989,265, A>G. VCF-style: chr1-21989265-A-G. GRCh37 (hg19) VCF-style: chr1-22315758-A-G.
Other names: short protein forms I267V.
Identifiers: ClinVar variation 4083688 (VCV004083688.8).